The following is an entry in ClinVar:

NM_153240.5(NPHP3):c.1628+2T>A

Genes: NPHP3-ACAD11 (NPHP3-ACAD11 readthrough (NMD candidate); minus strand), NPHP3 (nephrocystin 3; minus strand). Cytogenetic location: 3q22.1.
Variant type: single nucleotide variant.
Coding change: c.1628+2T>A on transcript NM_153240.5 (MANE Select); the canonical splice donor site of the intron after coding-DNA position 1628, T replaced by A.
Molecular consequence: splice donor variant.
Genome position (GRCh38, 1-based): chr3:132,701,428, A>T on the plus strand (T>A on the coding strand, the complement: NPHP3 is on the minus strand). VCF-style: chr3-132701428-A-T. GRCh37 (hg19) VCF-style: chr3-132420272-A-T.
Identifiers: ClinVar variation 1067254 (VCV001067254.7), dbSNP rs1277862520, ClinGen allele CA354583327.

ClinVar aggregate classification (germline): Likely pathogenic (1 of 4 stars; one submission).

Conditions:
Nephronophthisis. Also called: Juvenile Nephronophthisis. Identifiers: Orphanet 655, MedGen C0687120, MONDO:0019005, HP:0000090.

Allele frequency attached by ClinVar (database versions not stated): gnomAD exomes below 0.00001; TOPMed below 0.00001.
gnomAD v4.1: 2 of 1,579,522 alleles (0.00013%); highest among the groups gnomAD compares: Non-Finnish European, 0.00017%; no homozygotes.

Submission:

Labcorp Genetics (formerly Invitae), Labcorp
Classification: Likely pathogenic for Nephronophthisis. Last evaluated: 2024-10-10. Review status: criteria provided, single submitter. Criteria: Invitae Variant Classification Sherloc (09022015). Collection method: clinical testing. Allele origin: germline.
Comment: This sequence change affects a donor splice site in intron 10 of the NPHP3 gene. It is expected to disrupt RNA splicing. Variants that disrupt the donor or acceptor splice site typically lead to a loss of protein function (PMID: 16199547), and loss-of-function variants in NPHP3 are known to be pathogenic (PMID: 18371931, 23559409). This variant is not present in population databases (gnomAD no frequency). This variant has not been reported in the literature in individuals affected with NPHP3-related conditions. ClinVar contains an entry for this variant (Variation ID: 1067254). Algorithms developed to predict the effect of sequence changes on RNA splicing suggest that this variant may disrupt the consensus splice site. In summary, the currently available evidence indicates that the variant is pathogenic, but additional data are needed to prove that conclusively. Therefore, this variant has been classified as Likely Pathogenic.

Literature cited by the submitters: PubMed 16199547; PubMed 18371931; PubMed 23559409.